The following is an entry in ClinVar:

ClinVar aggregate classification (germline): Likely pathogenic. Review status: criteria provided, multiple submitters, no conflicts (2 of 4 stars). 2 submissions from 2 submitters: Likely pathogenic (2). Last evaluated 2025-02-24.

Conditions:
Familial hypercholesterolemia. Also called: Familial hypercholesterolemias; Familial hypercholesterolaemia. Identifiers: MedGen C0020445, MONDO:0005439.
Hypercholesterolemia, familial, 4 (FHCL4). Also called: HYPERCHOLESTEROLEMIA, AUTOSOMAL RECESSIVE, 1; HYPERCHOLESTEROLEMIA, AUTOSOMAL RECESSIVE, 2. Identifiers: Orphanet 391665, MedGen C1863512, MONDO:0011374, OMIM 603813.

Submissions (2):

MVZ Medizinische Genetik Mainz
Classification: Likely pathogenic for Hypercholesterolemia, familial, 4. Last evaluated: 2025-02-24. Review status: criteria provided, single submitter. Criteria: UK Practice Guidelines For Variant Classification V4 01 2020. Collection method: clinical testing. Allele origin: germline. Inheritance: Autosomal recessive inheritance. Affected: yes. Observed: 1 variant allele.
Comment: ACMG Criteria: PVS1_STR,PS1_SUP,PM2_SUP

Natera, Inc.
Classification: Likely pathogenic for Familial hypercholesterolemia. Last evaluated: 2024-07-08. Review status: criteria provided, single submitter. Criteria: Natera Variant Classification Schema (03/2026). Collection method: clinical testing. Allele origin: germline.
Comment: The c.3G>A variant in LDLRAP1 is predicted to result in start loss due to disruption of the initiator methionine. This variant is expected to result in nonsense mediated decay, truncation, or a dysfunctional protein product. This variant is rare in the general population with a frequency below the threshold expected for the associated phenotype(s). Given the available evidence, this variant is classified as Likely Pathogenic.

NM_015627.3(LDLRAP1):c.3G>A (p.Met1Ile)

Genes: LDLRAP1 (low density lipoprotein receptor adaptor protein 1; plus strand), LOC129929773 (ATAC-STARR-seq lymphoblastoid silent region 456; plus strand). Cytogenetic location: 1p36.11.
Variant type: single nucleotide variant.
Coding change: c.3G>A on transcript NM_015627.3 (MANE Select); coding-DNA position 3, G replaced by A.
Protein change: p.Met1Ile; changes the start codon (methionine 1).
Molecular consequence: missense variant, initiator codon variant.
Genome position (GRCh38, 1-based): chr1:25,543,701, G>A. VCF-style: chr1-25543701-G-A. GRCh37 (hg19) VCF-style: chr1-25870192-G-A.
Other names: short protein forms M1I.
Identifiers: ClinVar variation 4526515 (VCV004526515.2).